The following is an entry in ClinVar:

NM_012330.4(KAT6B):c.109A>G (p.Ser37Gly)

Gene: KAT6B (lysine acetyltransferase 6B; plus strand). Cytogenetic location: 10q22.2.
Variant type: single nucleotide variant.
Coding change: c.109A>G on transcript NM_012330.4 (MANE Select); coding-DNA position 109, A replaced by G.
Protein change: p.Ser37Gly; replaces serine 37 with glycine.
Molecular consequence: missense variant. On other transcripts: 5 prime UTR variant (2).
Genome position (GRCh38, 1-based): chr10:74,842,966, A>G. VCF-style: chr10-74842966-A-G. GRCh37 (hg19) VCF-style: chr10-76602724-A-G.
Other names: c.109A>G, p.Ser37Gly (NM_001370138.1, NM_001370139.1, NM_001370140.1 and 10 more transcripts); c.-430A>G (NM_001370134.1, NM_001370135.1); short protein forms S37G.
Identifiers: ClinVar variation 2772376 (VCV002772376.3), dbSNP rs770545156, ClinGen allele CA5564172.

ClinVar aggregate classification (germline): Uncertain significance (1 of 4 stars; one submission).

Conditions:
Genitopatellar syndrome (GTPTS). Also called: Genitopatellar syndrome (GPS); ABSENT PATELLAE, SCROTAL HYPOPLASIA, RENAL ANOMALIES, FACIAL DYSMORPHISM, AND MENTAL RETARDATION. Identifiers: Orphanet 85201, MedGen C1853566, MONDO:0011640, OMIM 606170.

Allele frequency attached by ClinVar (database versions not stated): gnomAD exomes below 0.00001 and 0.00002; ExAC 0.00001; gnomAD 0.00001; TOPMed 0.00001 and 0.00002.
gnomAD v4.1: 32 of 1,614,136 alleles (0.002%); highest among the groups gnomAD compares: Non-Finnish European, 0.0022%; no homozygotes.

Submission:

Labcorp Genetics (formerly Invitae), Labcorp
Classification: Uncertain significance for Genitopatellar syndrome. Last evaluated: 2023-12-02. Review status: criteria provided, single submitter. Criteria: Invitae Variant Classification Sherloc (09022015). Collection method: clinical testing. Allele origin: germline.
Comment: This sequence change replaces serine, which is neutral and polar, with glycine, which is neutral and non-polar, at codon 37 of the KAT6B protein (p.Ser37Gly). This variant is present in population databases (rs770545156, gnomAD no frequency). This variant has not been reported in the literature in individuals affected with KAT6B-related conditions. Advanced modeling of protein sequence and biophysical properties (such as structural, functional, and spatial information, amino acid conservation, physicochemical variation, residue mobility, and thermodynamic stability) performed at Invitae indicates that this missense variant is not expected to disrupt KAT6B protein function with a negative predictive value of 80%. In summary, the available evidence is currently insufficient to determine the role of this variant in disease. Therefore, it has been classified as a Variant of Uncertain Significance.